The following is an entry in ClinVar:

ClinVar aggregate classification (germline): Pathogenic (1 of 4 stars; one submission).

Submission:

GeneDx
Classification: Pathogenic. Last evaluated: 2015-08-22. Review status: criteria provided, single submitter. Criteria: GeneDx Variant Classification (06012015). Collection method: clinical testing. Allele origin: germline. Affected: yes.
Comment: The c.1 A>G substitution in the KRT5 gene has not been reported previously as a pathogenic variantnor as a benign polymorphism, to our knowledge, however c.2T>C has been reported and would alsochange the Methionine initiation codon in the KRT5 gene. It was not observed in approximately 6,500individuals of European and African American ancestry in the NHLBI Exome Sequencing Project,indicating it is not a common benign variant in these populations. The variant alters the initiatorMethionine codon, and the resultant protein would be described as p.Met1? using a question mark tosignify that it is not known if the loss of Met1 means that all protein translation is completely prevented orif an abnormal protein is produced using an alternate Met. Therefore, we interpret c.1 A>G as a pathogenic variant.

NM_000424.4(KRT5):c.1A>G (p.Met1Val)

Gene: KRT5 (keratin 5; minus strand). Cytogenetic location: 12q13.13.
Variant type: single nucleotide variant.
Coding change: c.1A>G on transcript NM_000424.4 (MANE Select); coding-DNA position 1, A replaced by G.
Protein change: p.Met1Val; changes the start codon (methionine 1).
Molecular consequence: missense variant, initiator codon variant.
Genome position (GRCh38, 1-based): chr12:52,520,296, T>C on the plus strand (A>G on the coding strand, the complement: KRT5 is on the minus strand). VCF-style: chr12-52520296-T-C. GRCh37 (hg19) VCF-style: chr12-52914080-T-C.
Other names: short protein forms M1V.
Identifiers: ClinVar variation 419591 (VCV000419591.3), dbSNP rs1064793977, ClinGen allele CA16619574.